The following is an entry in ClinVar:

NM_001005337.3(PKP1):c.*1673T>C

Gene: PKP1 (plakophilin 1; plus strand). Cytogenetic location: 1q32.1.
Variant type: single nucleotide variant.
Coding change: c.*1673T>C on transcript NM_001005337.3 (MANE Select); 1673 bases downstream of the stop codon, T replaced by C.
Molecular consequence: 3 prime UTR variant.
Genome position (GRCh38, 1-based): chr1:201,331,714, T>C. VCF-style: chr1-201331714-T-C. GRCh37 (hg19) VCF-style: chr1-201300842-T-C.
Other names: c.*1673T>C (NM_000299.4).
Identifiers: ClinVar variation 294871 (VCV000294871.6), dbSNP rs10920175, ClinGen allele CA10609400.
Genomic context (GRCh38, chr1:201,331,714, plus strand): 5'-CCAAACCCACCTCTTGCCCCAGCATTCAGGCTGGAAAACACTGATGTGGACTCAGTATGA[T>C]AACTGAGATGGGGGACGCCAGACATGTGAGGACGCTGTCCTCCGAGAGGTGTCCCCGGCT-3'

ClinVar aggregate classification (germline): Benign. Review status: criteria provided, multiple submitters, no conflicts (2 of 4 stars). 2 submissions from 2 submitters: Benign (2). Last evaluated 2018-01-13.

Conditions:
Epidermolysis bullosa simplex due to plakophilin deficiency. Also called: MCGRATH SYNDROME. Identifiers: Orphanet 158668, MedGen C1858302, MONDO:0011472, OMIM 604536.

Allele frequency attached by ClinVar (database versions not stated): TOPMed 0.89975; gnomAD exomes 0.90196; 1000 Genomes Project 30x 0.90225; 1000 Genomes Project 0.90415; gnomAD 0.90727.
gnomAD v4.1: 137,932 of 152,304 alleles (91%); highest among the groups gnomAD compares: Non-Finnish European, 94%; 62,664 homozygotes.

Submissions (2):

Illumina Laboratory Services, Illumina
Classification: Benign for Epidermolysis bullosa simplex due to plakophilin deficiency. Last evaluated: 2018-01-13. Review status: criteria provided, single submitter. Criteria: ICSL Variant Classification Criteria 13 December 2019. Collection method: clinical testing. Allele origin: germline.
Comment: This variant was observed in the ICSL laboratory as part of a predisposition screen in an ostensibly healthy population. It had not been previously curated by ICSL or reported in the Human Gene Mutation Database (HGMD: prior to June 1st, 2018), and was therefore a candidate for classification through an automated scoring system. Utilizing variant allele frequency, disease prevalence and penetrance estimates, and inheritance mode, an automated score was calculated to assess if this variant is too frequent to cause the disease. Based on the score and internal cut-off values, a variant classified as benign is not then subjected to further curation. The score for this variant resulted in a classification of benign for this disease.

Breakthrough Genomics
Classification: Benign. Review status: criteria provided, single submitter. Criteria: ACMG Guidelines, 2015. Collection method: not provided. Allele origin: germline. Inheritance: Autosomal recessive inheritance. Affected: yes.